The following is an entry in ClinVar:

GRCh38/hg38 15q13.2-13.3(chr15:30438310-32569425)x3

Genes: ARHGAP11B (Rho GTPase activating protein 11B), ARHGAP11B-DT (ARHGAP11B divergent transcript), CHRNA7 (cholinergic receptor nicotinic alpha 7 subunit), KLF13 (KLF transcription factor 13; plus strand), FAN1 (FANCD2 and FANCI associated nuclease 1; plus strand) and 33 more. Cytogenetic location: 15q13.2-13.3.
Variant type: copy number gain.
Change: copy number 3 (three copies instead of two) of chr15:30,438,310-32,569,425 (2.13 Mb, GRCh38 coordinates, 1-based), cytogenetic band 15q13.2-13.3.
Identifiers: ClinVar variation 160948 (VCV000160948.1).

ClinVar aggregate classification (germline): Uncertain significance (1 of 4 stars; one submission).

Submission:

ISCA site 17
Classification: Uncertain significance. Last evaluated: 2011-08-12. Review status: criteria provided, single submitter. Criteria: Kaminsky et al. (Genet Med. 2011). Collection method: clinical testing. Allele origin: paternal. Affected: yes. Observed: 1 variant allele.
Comment: Copy number variation identified through the course of routine clinical cytogenomic testing in postnatal populations. Clinical assertions have been curated as described in Kaminsky et al. 2011.